The following is an entry in ClinVar:

NM_001853.4(COL9A3):c.1168C>T (p.Leu390Phe)

Gene: COL9A3 (collagen type IX alpha 3 chain; plus strand). Cytogenetic location: 20q13.33.
Variant type: single nucleotide variant.
Coding change: c.1168C>T on transcript NM_001853.4 (MANE Select); coding-DNA position 1168, C replaced by T.
Protein change: p.Leu390Phe; replaces leucine 390 with phenylalanine.
Molecular consequence: missense variant.
Genome position (GRCh38, 1-based): chr20:62,830,366, C>T. VCF-style: chr20-62830366-C-T. GRCh37 (hg19) VCF-style: chr20-61461718-C-T.
Other names: short protein forms L390F.
Identifiers: ClinVar variation 1374239 (VCV001374239.6), dbSNP rs1461349259, ClinGen allele CA409594454.

ClinVar aggregate classification (germline): Uncertain significance (1 of 4 stars; one submission).

Allele frequency attached by ClinVar (database versions not stated): gnomAD exomes 0.00001.
gnomAD v4.1: 1 of 1,572,062 alleles (0.000064%); highest among the groups gnomAD compares: Admixed American, 0.0018%; no homozygotes.

Submission:

Labcorp Genetics (formerly Invitae), Labcorp
Classification: Uncertain significance. Last evaluated: 2025-04-16. Review status: criteria provided, single submitter. Criteria: Invitae Variant Classification Sherloc (09022015). Collection method: clinical testing. Allele origin: germline.
Comment: This sequence change replaces leucine, which is neutral and non-polar, with phenylalanine, which is neutral and non-polar, at codon 390 of the COL9A3 protein (p.Leu390Phe). The frequency data for this variant in the population databases is considered unreliable, as metrics indicate poor data quality at this position in the gnomAD database. This variant has not been reported in the literature in individuals affected with COL9A3-related conditions. ClinVar contains an entry for this variant (Variation ID: 1374239). Invitae Evidence Modeling of protein sequence and biophysical properties (such as structural, functional, and spatial information, amino acid conservation, physicochemical variation, residue mobility, and thermodynamic stability) indicates that this missense variant is not expected to disrupt COL9A3 protein function with a negative predictive value of 95%. In summary, the available evidence is currently insufficient to determine the role of this variant in disease. Therefore, it has been classified as a Variant of Uncertain Significance.